The following is an entry in ClinVar:

ClinVar aggregate classification (germline): Uncertain significance (1 of 4 stars; one submission).

Allele frequency attached by ClinVar (database versions not stated): ESP Exome Variant Server 0.00016; 1000 Genomes Project 0.00040; 1000 Genomes Project 30x 0.00047.
gnomAD v4.1: 79 of 1,614,194 alleles (0.0049%); highest among the groups gnomAD compares: South Asian, 0.068%; no homozygotes.

Submission:

Labcorp Genetics (formerly Invitae), Labcorp
Classification: Uncertain significance. Last evaluated: 2023-08-04. Review status: criteria provided, single submitter. Criteria: Invitae Variant Classification Sherloc (09022015). Collection method: clinical testing. Allele origin: germline.
Comment: In summary, the available evidence is currently insufficient to determine the role of this variant in disease. Therefore, it has been classified as a Variant of Uncertain Significance. Experimental studies and prediction algorithms are not available or were not evaluated, and the functional significance of this variant is currently unknown. ClinVar contains an entry for this variant (Variation ID: 1377648). This variant has not been reported in the literature in individuals affected with HTT-related conditions. This variant is present in population databases (rs201058625, gnomAD 0.06%). This sequence change replaces arginine, which is basic and polar, with tryptophan, which is neutral and slightly polar, at codon 1823 of the HTT protein (p.Arg1823Trp).

NM_001388492.1(HTT):c.5461C>T (p.Arg1821Trp)

Gene: HTT (huntingtin; plus strand). Cytogenetic location: 4p16.3.
Variant type: single nucleotide variant.
Coding change: c.5461C>T on transcript NM_001388492.1 (MANE Select); coding-DNA position 5461, C replaced by T.
Protein change: p.Arg1821Trp; replaces arginine 1821 with tryptophan.
Molecular consequence: missense variant.
Genome position (GRCh38, 1-based): chr4:3,199,824, C>T. VCF-style: chr4-3199824-C-T. GRCh37 (hg19) VCF-style: chr4-3201551-C-T.
Other names: c.5467C>T, p.Arg1823Trp (NM_002111.8); short protein forms R1823W, R1821W.
Identifiers: ClinVar variation 1377648 (VCV001377648.6), dbSNP rs201058625, ClinGen allele CA2824734.